The following is an entry in ClinVar:

NM_004336.5(BUB1):c.2481C>A (p.Asn827Lys)

Gene: BUB1 (BUB1 mitotic checkpoint serine/threonine kinase; minus strand). Cytogenetic location: 2q13.
Variant type: single nucleotide variant.
Coding change: c.2481C>A on transcript NM_004336.5 (MANE Select); coding-DNA position 2481, C replaced by A.
Protein change: p.Asn827Lys; replaces asparagine 827 with lysine.
Molecular consequence: missense variant.
Genome position (GRCh38, 1-based): chr2:110,641,786, G>T on the plus strand (C>A on the coding strand, the complement: BUB1 is on the minus strand). VCF-style: chr2-110641786-G-T. GRCh37 (hg19) VCF-style: chr2-111399363-G-T.
Other names: c.2421C>A, p.Asn807Lys (NM_001278616.2); c.2481C>A, p.Asn827Lys (NM_001278617.2); short protein forms N807K, N827K.
Identifiers: ClinVar variation 3224049 (VCV003224049.1), dbSNP rs141293590, ClinGen allele CA348090629.

ClinVar aggregate classification (germline): Uncertain significance (1 of 4 stars; one submission).

gnomAD v4.1: 3 of 1,605,854 alleles (0.00019%); highest among the groups gnomAD compares: Non-Finnish European, 0.00025%; no homozygotes.

Submission:

Ambry Genetics
Classification: Uncertain significance. Last evaluated: 2024-01-12. Review status: criteria provided, single submitter. Criteria: Ambry Variant Classification Scheme 2023. Collection method: clinical testing. Allele origin: germline.
Comment: The p.N827K variant (also known as c.2481C>A), located in coding exon 21 of the BUB1 gene, results from a C to A substitution at nucleotide position 2481. The asparagine at codon 827 is replaced by lysine, an amino acid with similar properties. This amino acid position is conserved. In addition, this alteration is predicted to be tolerated by in silico analysis. Since supporting evidence is limited at this time, the clinical significance of this alteration remains unclear.